The following is an entry in ClinVar:

ClinVar aggregate classification (germline): Pathogenic/Likely pathogenic. Review status: criteria provided, multiple submitters, no conflicts (2 of 4 stars). 5 submissions from 5 submitters: Pathogenic (2); Likely pathogenic (3). Last evaluated 2024-10-23.

Conditions:
Multiple congenital anomalies-hypotonia-seizures syndrome 1 (MCAHS1). Also called: PIGN-CDG; Congenital disorder of glycosylation due to PIGN deficiency; GLYCOSYLPHOSPHATIDYLINOSITOL BIOSYNTHESIS DEFECT 3. Identifiers: Orphanet 280633, MedGen C3279775, MONDO:0013563, OMIM 614080.
PIGN-related disorder. Also called: PIGN-related condition.

Submissions (5):

Labcorp Genetics (formerly Invitae), Labcorp
Classification: Pathogenic for Multiple congenital anomalies-hypotonia-seizures syndrome 1. Last evaluated: 2024-10-23. Review status: criteria provided, single submitter. Criteria: Invitae Variant Classification Sherloc (09022015). Collection method: clinical testing. Allele origin: germline.
Comment: This sequence change creates a premature translational stop signal (p.Glu416Glyfs*22) in the PIGN gene. It is expected to result in an absent or disrupted protein product. Loss-of-function variants in PIGN are known to be pathogenic (PMID: 24253414, 27038415). This variant is present in population databases (no rsID available, gnomAD 0.003%). This variant has not been reported in the literature in individuals affected with PIGN-related conditions. ClinVar contains an entry for this variant (Variation ID: 871597). Algorithms developed to predict the effect of sequence changes on RNA splicing suggest that this variant may disrupt the consensus splice site. For these reasons, this variant has been classified as Pathogenic.

Fulgent Genetics
Classification: Likely pathogenic for Multiple congenital anomalies-hypotonia-seizures syndrome 1. Last evaluated: 2024-04-08. Review status: criteria provided, single submitter. Criteria: ACMG Guidelines, 2015. Collection method: clinical testing. Allele origin: germline.

Blueprint Genetics
Classification: Likely pathogenic for PIGN-related disorders. Last evaluated: 2023-09-21. Review status: criteria provided, single submitter. Criteria: ACMG Guidelines, 2015. Collection method: clinical testing. Allele origin: germline. Affected: yes. Observed: 3 variant alleles.

Department of Pathology and Laboratory Medicine, Sinai Health System
Classification: Pathogenic for Multiple congenital anomalies-hypotonia-seizures syndrome 1. Last evaluated: 2023-05-17. Review status: criteria provided, single submitter. Criteria: ACMG Guidelines, 2015. Collection method: research. Allele origin: germline.

CeGaT Center for Human Genetics Tuebingen
Classification: Likely pathogenic. Last evaluated: 2019-10-01. Review status: criteria provided, single submitter. Criteria: CeGaT Center For Human Genetics Tuebingen Variant Classification Criteria Version 2. Collection method: clinical testing. Allele origin: germline. Affected: yes. Observed: 1 variant allele.

Literature cited by the submitters: PubMed 24253414 (cited by Labcorp Genetics (formerly Invitae), Labcorp); PubMed 27038415 (cited by Labcorp Genetics (formerly Invitae), Labcorp).

NM_176787.5(PIGN):c.1247_1251del (p.Glu416fs)

Gene: PIGN (phosphatidylinositol glycan anchor biosynthesis class N; minus strand). Cytogenetic location: 18q21.33.
Variant type: Deletion.
Coding change: c.1247_1251del on transcript NM_176787.5 (MANE Select); coding-DNA positions 1247 to 1251, 5 bases deleted (AAGTG; older notation c.1247_1251delAAGTG).
Protein change: p.Glu416fs; shifts the reading frame from glutamic acid 416.
Molecular consequence: frameshift variant.
Genome position (GRCh38, 1-based): chr18:62,114,561-62,114,565, CACTT deleted on the plus strand (AAGTG on the coding strand, the reverse complement: PIGN is on the minus strand); deleting any 5 consecutive bases within chr18:62,114,561-62,114,567 gives the same sequence; the c. name uses the placement nearest the transcript's 3' end. VCF-style (leftmost placement, unchanged base first): chr18-62114560-CCACTT-C. GRCh37 (hg19) VCF-style: chr18-59781793-CCACTT-C.
Other names: c.1247_1251del, p.Glu416fs (NM_012327.6); short protein forms E416fs.
Identifiers: ClinVar variation 871597 (VCV000871597.50), dbSNP rs1444518753, ClinGen allele CA630109405.